The following is an entry in ClinVar:

ClinVar aggregate classification (germline): Benign. Review status: criteria provided, single submitter (1 of 4 stars). 3 submissions from 3 submitters: Benign (1). 2 of the submissions do not count toward it. Last evaluated 2026-01-27.

Conditions:
GRM6-related disorder. Also called: GRM6-related condition.

Allele frequency attached by ClinVar (database versions not stated): 1000 Genomes Project 0.00379; ExAC 0.00414; TOPMed 0.00108; gnomAD 0.00147 and 0.00213; ESP Exome Variant Server 0.00154; gnomAD exomes 0.00245 and 0.00375; 1000 Genomes Project 30x 0.00312.
gnomAD v4.1: 3,912 of 1,613,710 alleles (0.24%); highest among the groups gnomAD compares: South Asian, 2%; 40 homozygotes.

Submissions (3):

Labcorp Genetics (formerly Invitae), Labcorp
Classification: Benign. Last evaluated: 2026-01-27. Review status: criteria provided, single submitter. Criteria: Invitae Variant Classification Sherloc (09022015). Collection method: clinical testing. Allele origin: germline.

PreventionGenetics, part of Exact Sciences
Classification: Benign for GRM6-related condition. Last evaluated: 2019-07-22. Review status: no assertion criteria provided. Collection method: clinical testing. Allele origin: germline. Not counted in ClinVar's aggregate classification.
Comment: This variant is classified as benign based on ACMG/AMP sequence variant interpretation guidelines (Richards et al. 2015 PMID: 25741868, with internal and published modifications).

Retina International
No classification provided. Review status: no classification provided. Collection method: not provided. Allele origin: not provided. Not counted in ClinVar's aggregate classification.

NM_000843.4(GRM6):c.733A>G (p.Ile245Val)

Gene: GRM6 (glutamate metabotropic receptor 6; minus strand). Cytogenetic location: 5q35.3.
Variant type: single nucleotide variant.
Coding change: c.733A>G on transcript NM_000843.4 (MANE Select); coding-DNA position 733, A replaced by G.
Protein change: p.Ile245Val; replaces isoleucine 245 with valine.
Molecular consequence: missense variant.
Genome position (GRCh38, 1-based): chr5:178,991,548, T>C on the plus strand (A>G on the coding strand, the complement: GRM6 is on the minus strand). VCF-style: chr5-178991548-T-C. GRCh37 (hg19) VCF-style: chr5-178418549-T-C.
Other names: short protein forms I245V.
Identifiers: ClinVar variation 99659 (VCV000099659.14), dbSNP rs62638207, ClinGen allele CA227696.